The following is an entry in ClinVar:

NM_000171.4(GLRA1):c.869C>T (p.Thr290Ile)

Gene: GLRA1 (glycine receptor alpha 1; minus strand). Cytogenetic location: 5q33.1.
Variant type: single nucleotide variant.
Coding change: c.869C>T on transcript NM_000171.4 (MANE Select); coding-DNA position 869, C replaced by T.
Protein change: p.Thr290Ile; replaces threonine 290 with isoleucine.
Molecular consequence: missense variant.
Genome position (GRCh38, 1-based): chr5:151,851,433, G>A on the plus strand (C>T on the coding strand, the complement: GLRA1 is on the minus strand). VCF-style: chr5-151851433-G-A. GRCh37 (hg19) VCF-style: chr5-151230994-G-A.
Other names: c.869C>T, p.Thr290Ile (NM_001146040.2); c.620C>T, p.Thr207Ile (NM_001292000.2); short protein forms T290I, T207I.
Identifiers: ClinVar variation 421866 (VCV000421866.4), dbSNP rs1064795411, ClinGen allele CA16618146.

ClinVar aggregate classification (germline): Conflicting classifications of pathogenicity. Review status: criteria provided, conflicting classifications (1 of 4 stars). 2 submissions from 2 submitters: Likely pathogenic (1); Uncertain significance (1). Last evaluated 2024-05-08.

Conditions:
Hereditary hyperekplexia. Identifiers: Orphanet 3197, MedGen C4084968, MONDO:0021022.

Allele frequency attached by ClinVar (database versions not stated): gnomAD exomes below 0.00001; gnomAD 0.00001; 1000 Genomes Project 30x 0.00016.
gnomAD v4.1: 2 of 1,614,010 alleles (0.00012%); highest among the groups gnomAD compares: South Asian, 0.0011%; no homozygotes.

Submissions (2):

Labcorp Genetics (formerly Invitae), Labcorp
Classification: Uncertain significance for Hereditary hyperekplexia. Last evaluated: 2024-05-08. Review status: criteria provided, single submitter. Criteria: Invitae Variant Classification Sherloc (09022015). Collection method: clinical testing. Allele origin: germline.
Comment: This sequence change replaces threonine, which is neutral and polar, with isoleucine, which is neutral and non-polar, at codon 290 of the GLRA1 protein (p.Thr290Ile). This variant is not present in population databases (gnomAD no frequency). This variant has not been reported in the literature in individuals affected with GLRA1-related conditions. ClinVar contains an entry for this variant (Variation ID: 421866). Advanced modeling of protein sequence and biophysical properties (such as structural, functional, and spatial information, amino acid conservation, physicochemical variation, residue mobility, and thermodynamic stability) performed at Invitae indicates that this missense variant is expected to disrupt GLRA1 protein function with a positive predictive value of 95%. In summary, the available evidence is currently insufficient to determine the role of this variant in disease. Therefore, it has been classified as a Variant of Uncertain Significance.

GeneDx
Classification: Likely pathogenic. Last evaluated: 2018-11-20. Review status: criteria provided, single submitter. Criteria: GeneDx Variant Classification (06012015). Collection method: clinical testing. Allele origin: germline. Affected: yes.
Comment: The T290I variant in the GLRA1 gene has not been reported previously as a pathogenic variant, nor as a benign variant, to our knowledge. The T290I variant was not observed in approximately 6,500 individuals of European and African American ancestry in the NHLBI Exome Sequencing Project, indicating it is not a common benign variant in these populations. The T290I variant is a non-conservative amino acid substitution, which is likely to impact secondary protein structure as these residues differ in polarity, charge, size and/or other properties. This substitution occurs at a position that is conserved across species. In silico analysis predicts this variant is probably damaging to the protein structure/function. The T290I variant is a strong candidate for a pathogenic variant.